The following is an entry in ClinVar:

ClinVar aggregate classification (germline): Uncertain significance (1 of 4 stars; one submission).

Conditions:
Charcot-Marie-Tooth disease axonal type 2P. Also called: CHARCOT-MARIE-TOOTH NEUROPATHY, TYPE 2P; Charcot-Marie-Tooth Neuropathy Type 2G; CHARCOT-MARIE-TOOTH DISEASE, AXONAL, TYPE 2G; CMT 2G. Identifiers: Orphanet 300319, Orphanet 99941, MedGen C3280797, MONDO:0013753, OMIM 614436.

Allele frequency attached by ClinVar (database versions not stated): gnomAD exomes 0.00001.
gnomAD v4.1: 8 of 1,610,204 alleles (0.0005%); highest among the groups gnomAD compares: Non-Finnish European, 0.00068%; no homozygotes.

Submission:

Labcorp Genetics (formerly Invitae), Labcorp
Classification: Uncertain significance for Charcot-Marie-Tooth disease axonal type 2P. Last evaluated: 2022-06-28. Review status: criteria provided, single submitter. Criteria: Invitae Variant Classification Sherloc (09022015). Collection method: clinical testing. Allele origin: germline.
Comment: In summary, the available evidence is currently insufficient to determine the role of this variant in disease. Therefore, it has been classified as a Variant of Uncertain Significance. Algorithms developed to predict the effect of missense changes on protein structure and function (SIFT, PolyPhen-2, Align-GVGD) all suggest that this variant is likely to be disruptive. This variant has not been reported in the literature in individuals affected with LRSAM1-related conditions. This variant is not present in population databases (gnomAD no frequency). This sequence change replaces leucine, which is neutral and non-polar, with proline, which is neutral and non-polar, at codon 178 of the LRSAM1 protein (p.Leu178Pro).

NM_001005373.4(LRSAM1):c.533T>C (p.Leu178Pro)

Gene: LRSAM1 (leucine rich repeat and sterile alpha motif containing 1; plus strand). Cytogenetic location: 9q33.3.
Variant type: single nucleotide variant.
Coding change: c.533T>C on transcript NM_001005373.4 (MANE Select); coding-DNA position 533, T replaced by C.
Protein change: p.Leu178Pro; replaces leucine 178 with proline.
Molecular consequence: missense variant. On other transcripts: 5 prime UTR variant (1), non-coding transcript variant (2).
Genome position (GRCh38, 1-based): chr9:127,467,744, T>C. VCF-style: chr9-127467744-T-C. GRCh37 (hg19) VCF-style: chr9-130230023-T-C.
Other names: c.533T>C, p.Leu178Pro (NM_001005374.4, NM_001190723.3, NM_001384142.1 and 2 more transcripts); c.-252T>C (NM_001384144.1); short protein forms L178P.
Identifiers: ClinVar variation 2193279 (VCV002193279.4), dbSNP rs2539345209, ClinGen allele CA374928455.
Genomic context (GRCh38, chr9:127,467,744, plus strand): 5'-TGGTCTCCGGTTGCGTTGGTAGCGAACAGTAAAGCGGGTTACCCTTGTGTCTGCAGATGC[T>C]GAGCCTTGACGCCTCGGCCATGGTCTACCCGCCGCGGGAGGTGTGTGGTGCCGGCACTGC-3'
Protein context (NP_001005373.1, residues 168-188): MLAHVRTLEM[Leu178Pro]SLDASAMVYP